The following is an entry in ClinVar:

NM_000321.3(RB1):c.1363C>T (p.Arg455Ter)

Gene: RB1 (RB transcriptional corepressor 1; plus strand). Cytogenetic location: 13q14.2.
Variant type: single nucleotide variant.
Coding change: c.1363C>T on transcript NM_000321.3 (MANE Select); coding-DNA position 1363, C replaced by T.
Protein change: p.Arg455Ter; replaces arginine 455 with a stop codon.
Molecular consequence: nonsense.
Genome position (GRCh38, 1-based): chr13:48,379,624, C>T. VCF-style: chr13-48379624-C-T. GRCh37 (hg19) VCF-style: chr13-48953760-C-T.
Other names: L11910:g.76460C>T; short protein forms R455*.
Identifiers: ClinVar variation 126837 (VCV000126837.31), dbSNP rs121913302, ClinGen allele CA026373.
Genomic context (GRCh38, chr13:48,379,624, plus strand): 5'-GCTCTTATTTTTCTTTTTGTTTGTTTGTAGCGATACAAACTTGGAGTTCGCTTGTATTAC[C>T]GAGTAATGGAATCCATGCTTAAATCAGTAAGTTAAAAACAATATAAAAAAATTTCAGCCG-3'

ClinVar aggregate classification (germline): Pathogenic. Review status: criteria provided, multiple submitters, no conflicts (2 of 4 stars). 12 submissions from 12 submitters: Pathogenic (11). 1 of the submissions does not count toward it. Last evaluated 2025-11-25.
ClinVar aggregate classification (oncogenicity): Oncogenic (1 of 4 stars; one submission).

Conditions:
Hereditary retinoblastoma. Identifiers: Orphanet 357027, MedGen C0751483, MONDO:0018160.
Hereditary cancer-predisposing syndrome. Also called: Hereditary neoplastic syndrome; Hereditary Cancer Syndrome; Neoplastic Syndromes, Hereditary; Tumor predisposition. Identifiers: Orphanet 140162, MedGen C0027672, MeSH D009386, MONDO:0015356.
Malignant tumor of urinary bladder. Also called: Urinary Bladder Neoplasms; Bladder cancer; Urinary bladder cancer. Identifiers: MedGen C0005684, MONDO:0001187, OMIM 109800.
Retinoblastoma (RB1). Also called: RETINOBLASTOMA, SOMATIC. Identifiers: Orphanet 790, MedGen C0035335, MeSH D012175, MONDO:0008380, OMIM 180200, HP:0009919. Disease mechanism: loss of function. Inheritance: Both sporadic and heritable forms are tested..
Neoplasm. Also called: tumor; Neoplasms; Neoplasm (disease). Identifiers: MedGen C0027651, MeSH D009369, MONDO:0005070, HP:0002664.

Allele frequency attached by ClinVar (database versions not stated): gnomAD 0.00001; gnomAD exomes below 0.00001.
gnomAD v4.1: 2 of 1,612,016 alleles (0.00012%); highest among the groups gnomAD compares: Non-Finnish European, 0.00017%; no homozygotes.

Submissions (13):

Center for Genomic Medicine, Rigshospitalet, Copenhagen University Hospital
Classification: Oncogenic for Neoplasm. Last evaluated: 2025-12-29. Review status: criteria provided, single submitter. Criteria: ClinGen/CGC/VICC Guidelines for Oncogenicity, 2022. Collection method: clinical testing. Allele origin: somatic. Affected: yes.

Labcorp Genetics (formerly Invitae), Labcorp
Classification: Pathogenic for Retinoblastoma. Last evaluated: 2025-11-25. Review status: criteria provided, single submitter. Criteria: Invitae Variant Classification Sherloc (09022015). Collection method: clinical testing. Allele origin: germline.
Comment: This sequence change creates a premature translational stop signal (p.Arg455*) in the RB1 gene. It is expected to result in an absent or disrupted protein product. Loss-of-function variants in RB1 are known to be pathogenic (PMID: 17096365). The frequency data for this variant in the population databases is considered unreliable, as metrics indicate poor data quality at this position in the gnomAD database. This premature translational stop signal has been observed in individual(s) with retinoblastoma (PMID: 8651278, 17096365, 20059380, 25928201, 27582626, 28575107). In at least one individual the variant was observed to be de novo. It has also been observed to segregate with disease in related individuals. Invitae Evidence Modeling of clinical and family history, age, sex, and reported ancestry of multiple individuals with this RB1 variant has been performed. This variant is expected to be pathogenic with a positive predictive value of at least 99%. This is a validated machine learning model that incorporates the clinical features of 413,071 individuals referred to our laboratory for RB1 testing. ClinVar contains an entry for this variant (Variation ID: 126837). RNA analysis performed to evaluate the impact of this premature translational stop signal on mRNA splicing indicates it does not significantly alter splicing (internal data). For these reasons, this variant has been classified as Pathogenic.

Dasa
Classification: Pathogenic. Last evaluated: 2025-11-19. Review status: criteria provided, single submitter. Criteria: DASA Assertion Criteria. Collection method: clinical testing. Allele origin: germline.
Comment: NM_000321.3(RB1):c.1363C>T (p.Arg455*) introduces a premature termination codon predicted to result in loss of normal protein function. Loss-of-function is an established mechanism of disease for this gene. This variant has been recurrently observed in individuals with related phenotype (PMID: 8651278; PMID: 19280657; PMID: 33456302; PMID: 34680218; PMID: 37932687). The variant is present at low frequency in population datasets. Based on the available data, this variant is classified as pathogenic.

Ramesar Group, Division of Human Genetics, Institute of Infectious Diseases and Molecular Medicine, UCT/MRC Genomic and Precision Medicine Research Unit, University of Cape Town
Classification: Pathogenic for Hereditary retinoblastoma. Last evaluated: 2025-09-17. Review status: criteria provided, single submitter. Criteria: ACMG Guidelines, 2015. Collection method: research. Allele origin: germline. Affected: yes. Observed: 1 variant allele.
Comment: PVS1: Null variant (nonsense) in a gene (RB1) where LOF is a known mechanism of disease PM2: Absent from gnomAD and ExAC PP4: Patient presents with bilateral retinoblastoma PP5: Reported as pathogenic in ClinVar and the LOVD

Genetic Diagnostic Laboratory, University of Pennsylvania School of Medicine
Classification: Pathogenic for Retinoblastoma. Last evaluated: 2024-05-20. Review status: criteria provided, single submitter. Criteria: ACMG Guidelines, 2015. Collection method: clinical testing. Allele origin: germline. Affected: yes. Observed: 11 variant alleles.
Comment: Case and Pedigree Information: BILATERAL CASES:10, UNILATERAL CASES:1, TOTAL CASES:11, PEDIGREES:11. ACMG Codes Applied:PVS1, PM2, PS4M

Swedish National ChiCaP Initative, Genomic Medicine Sweden
Classification: Pathogenic for Retinoblastoma. Last evaluated: 2024-05-01. Review status: criteria provided, single submitter. Criteria: ACMG Guidelines, 2015. Collection method: clinical testing. Allele origin: de novo. Affected: yes.

St. Jude Molecular Pathology, St. Jude Children's Research Hospital
Classification: Pathogenic for Retinoblastoma. Last evaluated: 2024-01-08. Review status: criteria provided, single submitter. Criteria: St. Jude Assertion Criteria 2020. Collection method: clinical testing. Allele origin: germline. Affected: yes.
Comment: The RB1 c.1363C>T (p.Arg455Ter) change is a nonsense variant that is predicted to cause premature protein truncation or absence of protein due to nonsense-mediated decay. This variant has been identified in multiple individuals with retinoblastoma and has been reported to be mosaic in at least one individual (PMID: 8651278, 19280657, 33456302, 34680218, 37932687). This variant has a maximum subpopulation frequency of 0.006% in gnomAD v2.1.1, however this data may be unreliable due to poor data quality at this location. In summary, this variant meets criteria to be classified as pathogenic.

GeneDx
Classification: Pathogenic. Last evaluated: 2023-09-27. Review status: criteria provided, single submitter. Criteria: GeneDx Variant Classification Process June 2021. Collection method: clinical testing. Allele origin: germline. Affected: yes.
Comment: Nonsense variant predicted to result in protein truncation or nonsense mediated decay in a gene for which loss-of-function is a known mechanism of disease; Not observed at significant frequency in large population cohorts (gnomAD); This variant is associated with the following publications: (PMID: 8968104, 24791139, 8178820, 25151137, 17205527, 23532519, 20059380, 10671068, 17960112, 28575107, 27582626, 8651278, 25602518, 22278416, 12541220, 8346255, 14769601, 25525159, 25928201, 24347427, 16269091, 1352398, 17096365, 15605413, 11317357, 15884040, 14722923, 19280657, 25712084, 23981928, 16343894, 22180099, 28803391, 24810223, 22219649, 30787465, 33456302, 31772335, 34680218, 34190019)

Ambry Genetics
Classification: Pathogenic for Hereditary cancer-predisposing syndrome. Last evaluated: 2023-04-10. Review status: criteria provided, single submitter. Criteria: Ambry Variant Classification Scheme 2023. Collection method: clinical testing. Allele origin: germline.
Comment: The p.R455* pathogenic mutation (also known as c.1363C>T), located in coding exon 14 of the RB1 gene, results from a C to T substitution at nucleotide position 1363. This changes the amino acid from an arginine to a stop codon within coding exon 14. This alteration has been identified in multiple individuals with both unilateral and bilateral retinoblastoma (Lohmann DR et al. Am. J. Hum. Genet. 1996 May;58(5):940-9; Saliminejad K et al. J. Genet. 2013 May;92(2):e36-40; He MY et al. Mol. Vis. 2014 Apr; 20:545-52; Amitrano S et al. Eur. J. Hum. Genet. 2015 Nov;23(11): 1523-30); Yousef YA et al. Fam. Cancer. 2018 Apr;17(2):261-268). Additionally, this alteration has been reported in a family where two siblings with bilateral retinoblastoma were both found to be heterozygous, but their mother, who had unilateral retinoblastoma, was determined to be mosaic (Rushlow D et al. Hum. Mutat. 2009 May; 30(5):842-51). In addition to the clinical data presented in the literature, this alteration is expected to result in loss of function by premature protein truncation or nonsense-mediated mRNA decay. As such, this alteration is interpreted as a disease-causing mutation.

Center for Personalized Medicine, Children's Hospital Los Angeles
Classification: Pathogenic. Last evaluated: 2022-12-21. Review status: criteria provided, single submitter. Criteria: ACMG Guidelines, 2015. Collection method: clinical testing. Allele origin: de novo. Affected: yes.

Eurofins Ntd Llc (ga)
Classification: Pathogenic. Last evaluated: 2016-11-22. Review status: criteria provided, single submitter. Criteria: EGL Classification Definitions 2015. Collection method: clinical testing. Allele origin: germline.

Juno Genomics, Hangzhou Juno Genomics, Inc
Classification: Pathogenic for Retinoblastoma. Review status: criteria provided, single submitter. Criteria: ACMG Guidelines, 2015. Collection method: clinical testing. Allele origin: germline. Affected: yes.
Comment: Absent from controls (or at extremely low frequency if recessive) in Genome Aggregation Database, Exome Sequencing Project, 1000 Genomes Project, or Exome Aggregation Consortium.;Null variant in a gene where loss of function (LOF) is a known mechanism of disease.;The prevalence of the variant in affected individuals is significantly increased compared to the prevalence in controls.;De novo (both maternity and paternity confirmed) in a patient with the disease and no family history.

Laboratory of Urology, Hospital Clinic de Barcelona
Classification: Pathogenic for Malignant tumor of urinary bladder. Review status: no assertion criteria provided. Collection method: research. Allele origin: somatic. Affected: yes. Not counted in ClinVar's aggregate classification.

Literature cited by the submitters: PubMed 39845333 (cited by Center for Genomic Medicine, Rigshospitalet, Copenhagen University Hospital); PubMed 17096365 (cited by Labcorp Genetics (formerly Invitae), Labcorp and Ambry Genetics); PubMed 8651278 (cited by 3 submitters); PubMed 20059380 (cited by Labcorp Genetics (formerly Invitae), Labcorp and Eurofins Ntd Llc (ga)); PubMed 25928201 (cited by Labcorp Genetics (formerly Invitae), Labcorp); PubMed 27582626 (cited by Labcorp Genetics (formerly Invitae), Labcorp); PubMed 28575107 (cited by Labcorp Genetics (formerly Invitae), Labcorp); PubMed 19280657 (cited by Dasa and Ambry Genetics); PubMed 33456302 (cited by Dasa); PubMed 34680218 (cited by Dasa); PubMed 37932687 (cited by Dasa); PubMed 11317357 (cited by Ambry Genetics); PubMed 22219649 (cited by Ambry Genetics); PubMed 23981928 (cited by Ambry Genetics); PubMed 24791139 (cited by Ambry Genetics); PubMed 25712084 (cited by Ambry Genetics); PubMed 28803391 (cited by Ambry Genetics).